The following is an entry in ClinVar:

ClinVar aggregate classification (germline): Uncertain significance. Review status: criteria provided, multiple submitters, no conflicts (2 of 4 stars). 2 submissions from 2 submitters: Uncertain significance (2). Last evaluated 2023-10-13.

Allele frequency attached by ClinVar (database versions not stated): gnomAD exomes 0.00003; ExAC 0.00005; TOPMed 0.00005; ESP Exome Variant Server 0.00008.
gnomAD v4.1: 26 of 1,613,778 alleles (0.0016%); highest among the groups gnomAD compares: African/African-American, 0.017%; no homozygotes.

Submissions (2):

Labcorp Genetics (formerly Invitae), Labcorp
Classification: Uncertain significance. Last evaluated: 2023-10-13. Review status: criteria provided, single submitter. Criteria: Invitae Variant Classification Sherloc (09022015). Collection method: clinical testing. Allele origin: germline.
Comment: This sequence change replaces alanine, which is neutral and non-polar, with threonine, which is neutral and polar, at codon 472 of the TAPT1 protein (p.Ala472Thr). This variant is present in population databases (rs376072922, gnomAD 0.02%). This variant has not been reported in the literature in individuals affected with TAPT1-related conditions. ClinVar contains an entry for this variant (Variation ID: 1498587). Advanced modeling of protein sequence and biophysical properties (such as structural, functional, and spatial information, amino acid conservation, physicochemical variation, residue mobility, and thermodynamic stability) performed at Invitae indicates that this missense variant is not expected to disrupt TAPT1 protein function. In summary, the available evidence is currently insufficient to determine the role of this variant in disease. Therefore, it has been classified as a Variant of Uncertain Significance.

GeneDx
Classification: Uncertain significance. Last evaluated: 2022-08-02. Review status: criteria provided, single submitter. Criteria: GeneDx Variant Classification Process June 2021. Collection method: clinical testing. Allele origin: germline. Affected: yes.
Comment: In silico analysis supports that this missense variant does not alter protein structure/function; Has not been previously published as pathogenic or benign to our knowledge

NM_153365.3(TAPT1):c.1414G>A (p.Ala472Thr)

Gene: TAPT1 (transmembrane anterior posterior transformation 1; minus strand). Cytogenetic location: 4p15.32.
Variant type: single nucleotide variant.
Coding change: c.1414G>A on transcript NM_153365.3 (MANE Select); coding-DNA position 1414, G replaced by A.
Protein change: p.Ala472Thr; replaces alanine 472 with threonine.
Molecular consequence: missense variant.
Genome position (GRCh38, 1-based): chr4:16,166,693, C>T on the plus strand (G>A on the coding strand, the complement: TAPT1 is on the minus strand). VCF-style: chr4-16166693-C-T. GRCh37 (hg19) VCF-style: chr4-16168316-C-T.
Other names: c.1414G>A (NM_153365.2); short protein forms A472T.
Identifiers: ClinVar variation 1498587 (VCV001498587.6), dbSNP rs376072922, ClinGen allele CA2867287.
Genomic context (GRCh38, chr4:16,166,693, plus strand): 5'-CTTGAGAGGGTTTACATTTGTTCTGTGATTTACTGGACGGCTTGCCTGGAGTGCAGGTTG[C>T]GGGAGGATTCGACAGCTTCTCTTCCATTTTGGCTTCCTTCACATACTGGCACGATTTCCC-3'
Protein context (NP_699196.2, residues 462-482): KMEEKLSNPP[Ala472Thr]TCTPGKPSSK